The following is an entry in ClinVar:

ClinVar aggregate classification (germline): Uncertain significance (1 of 4 stars; one submission).

Submission:

Labcorp Genetics (formerly Invitae), Labcorp
Classification: Uncertain significance. Last evaluated: 2025-07-30. Review status: criteria provided, single submitter. Criteria: Invitae Variant Classification Sherloc (09022015). Collection method: clinical testing. Allele origin: germline.
Comment: This sequence change falls in intron 27 of the PLXNA2 gene. It does not directly change the encoded amino acid sequence of the PLXNA2 protein. Information on the frequency of this variant in the gnomAD database is not available, as this variant may be reported differently in the database. This variant has not been reported in the literature in individuals affected with PLXNA2-related conditions. Experimental studies and prediction algorithms are not available or were not evaluated, and the effect of this variant on mRNA splicing is currently unknown. In summary, the available evidence is currently insufficient to determine the role of this variant in disease. Therefore, it has been classified as a Variant of Uncertain Significance.

NM_025179.4(PLXNA2):c.4864+8_4864+9delinsGT

Gene: PLXNA2 (plexin A2; minus strand). Cytogenetic location: 1q32.2.
Variant type: Indel.
Coding change: c.4864+8_4864+9delinsGT on transcript NM_025179.4 (MANE Select); bases 8 to 9 of the intron after coding-DNA position 4864, CC replaced by GT.
Molecular consequence: intron variant.
Genome position (GRCh38, 1-based): chr1:208,034,484-208,034,485, GG replaced by AC on the plus strand (CC replaced by GT on the coding strand, the reverse complement: PLXNA2 is on the minus strand). VCF-style: chr1-208034484-GG-AC. GRCh37 (hg19) VCF-style: chr1-208207829-GG-AC.
Identifiers: ClinVar variation 4775859 (VCV004775859.1).
Genomic context (GRCh38, chr1:208,034,484, plus strand): 5'-GCGAGTGGGCCCTGCTAGGTCTCAGAAGACTCTGCTCTGAGCTGCCCAGTCTGCCCTCGT[GG>AC]TTCTCACCGTATCTGCTGATGGACGTCCGGGAGATGCTGGCAGAGGCAGGGATGTTGTAG-3'